The following is an entry in ClinVar:

NM_002693.3(POLG):c.3656A>G (p.Asp1219Gly)

Genes: FANCI (FA complementation group I; plus strand), POLG (DNA polymerase gamma, catalytic subunit; minus strand). Cytogenetic location: 15q26.1.
Variant type: single nucleotide variant.
Coding change: c.3656A>G on transcript NM_002693.3 (MANE Select); coding-DNA position 3656, A replaced by G.
Protein change: p.Asp1219Gly; replaces aspartic acid 1219 with glycine.
Molecular consequence: missense variant. On other transcripts: 3 prime UTR variant (4).
Genome position (GRCh38, 1-based): chr15:89,316,815, T>C on the plus strand (A>G on the coding strand, the complement: POLG is on the minus strand). VCF-style: chr15-89316815-T-C. GRCh37 (hg19) VCF-style: chr15-89860046-T-C.
Other names: c.3656A>G, p.Asp1219Gly (NM_001126131.2); c.*356T>C (NM_001113378.2, NM_001376910.1, NM_001376911.1 and 1 more transcripts); short protein forms D1219G.
Identifiers: ClinVar variation 432851 (VCV000432851.13), dbSNP rs776506626, ClinGen allele CA7724042.

ClinVar aggregate classification (germline): Uncertain significance. Review status: criteria provided, multiple submitters, no conflicts (2 of 4 stars). 3 submissions from 3 submitters: Uncertain significance (3). Last evaluated 2025-11-17.

Conditions:
Progressive sclerosing poliodystrophy (MTDPS4A). Also called: Mitochondrial DNA Depletion Syndrome 4A; Alpers-Huttenlocher Syndrome (AHS); ALPERS PROGRESSIVE INFANTILE POLIODYSTROPHY; ALPERS DIFFUSE DEGENERATION OF CEREBRAL GRAY MATTER WITH HEPATIC CIRRHOSIS; NEURONAL DEGENERATION OF CHILDHOOD WITH LIVER DISEASE, PROGRESSIVE; Alpers Syndrome. Identifiers: Orphanet 726, MedGen C0205710, MONDO:0008758, OMIM 203700.

Allele frequency attached by ClinVar (database versions not stated): ExAC 0.00001; gnomAD exomes 0.00001.

Submissions (3):

GeneDx
Classification: Uncertain significance. Last evaluated: 2025-11-17. Review status: criteria provided, single submitter. Criteria: GeneDx Variant Classification Process June 2021. Collection method: clinical testing. Allele origin: germline. Affected: yes.
Comment: Not observed at significant frequency in large population cohorts (gnomAD); In silico analysis supports that this missense variant has a deleterious effect on protein structure/function; Has not been previously published as pathogenic or benign to our knowledge; This variant is associated with the following publications: (PMID: 32033288)

Labcorp Genetics (formerly Invitae), Labcorp
Classification: Uncertain significance for Progressive sclerosing poliodystrophy. Last evaluated: 2025-09-02. Review status: criteria provided, single submitter. Criteria: Invitae Variant Classification Sherloc (09022015). Collection method: clinical testing. Allele origin: germline.
Comment: This sequence change replaces aspartic acid, which is acidic and polar, with glycine, which is neutral and non-polar, at codon 1219 of the POLG protein (p.Asp1219Gly). This variant is present in population databases (rs776506626, gnomAD 0.01%). This variant has not been reported in the literature in individuals affected with POLG-related conditions. ClinVar contains an entry for this variant (Variation ID: 432851). Invitae Evidence Modeling of protein sequence and biophysical properties (such as structural, functional, and spatial information, amino acid conservation, physicochemical variation, residue mobility, and thermodynamic stability) indicates that this missense variant is expected to disrupt POLG protein function with a positive predictive value of 95%. In summary, the available evidence is currently insufficient to determine the role of this variant in disease. Therefore, it has been classified as a Variant of Uncertain Significance.

Blueprint Genetics
Classification: Uncertain significance. Last evaluated: 2021-05-28. Review status: criteria provided, single submitter. Criteria: ACMG Guidelines, 2015. Collection method: clinical testing. Allele origin: germline.